The following is an entry in ClinVar:

ClinVar aggregate classification (germline): Pathogenic (1 of 4 stars; one submission).

Conditions:
Cardiovascular phenotype. Identifiers: MedGen CN230736.
Hereditary cancer-predisposing syndrome. Also called: Tumor predisposition; Neoplastic Syndromes, Hereditary; Hereditary Cancer Syndrome; Hereditary neoplastic syndrome. Identifiers: Orphanet 140162, MedGen C0027672, MeSH D009386, MONDO:0015356.

Submission:

Ambry Genetics
Classification: Pathogenic for Cardiovascular phenotype; Hereditary cancer-predisposing syndrome. Last evaluated: 2025-01-29. Review status: criteria provided, single submitter. Criteria: Ambry Variant Classification Scheme 2023. Collection method: clinical testing. Allele origin: germline.
Comment: The c.346delG pathogenic mutation, located in coding exon 4 of the LZTR1 gene, results from a deletion of one nucleotide at nucleotide position 346, causing a translational frameshift with a predicted alternate stop codon (p.A116Pfs*31). This alteration is expected to result in loss of function by premature protein truncation or nonsense-mediated mRNA decay. Loss-of-function variants in LZTR1 are related to an increased risk for schwannomas and autosomal recessive Noonan syndrome; however, such associations with autosomal dominant Noonan syndrome have not been observed (Piotrowski A et al. Nat Genet. 2014 Feb;46:182-7; Yamamoto GL et al. J Med Genet. 2015 Jun;52:413-21; Johnston JJ et al. Genet Med. 2018 10;20:1175-1185). Based on the supporting evidence, this variant is pathogenic for an increased risk of LZTR1-related schwannomatosis (SWN) and would be expected to cause autosomal recessive Noonan syndrome when present along with a second pathogenic or likely pathogenic variant on the other allele; however, the association of this alteration with autosomal dominant Noonan syndrome is unlikely.

NM_006767.4(LZTR1):c.346del (p.Ala116fs)

Gene: LZTR1 (leucine zipper like post translational regulator 1; plus strand). Cytogenetic location: 22q11.21.
Variant type: Deletion.
Coding change: c.346del on transcript NM_006767.4 (MANE Select); coding-DNA position 346, one base deleted (G; older notation c.346delG).
Protein change: p.Ala116fs; shifts the reading frame from alanine 116.
Molecular consequence: frameshift variant.
Genome position (GRCh38, 1-based): chr22:20,987,529, G deleted; the last of 2 consecutive G bases (chr22:20,987,528-20,987,529); deleting either gives the same sequence. VCF-style (leftmost placement, unchanged base first): chr22-20987527-CG-C. GRCh37 (hg19) VCF-style: chr22-21341816-CG-C.
Other names: short protein forms A116fs.
Identifiers: ClinVar variation 3869295 (VCV003869295.1).